The following is an entry in ClinVar:

ClinVar aggregate classification (germline): Pathogenic (1 of 4 stars; one submission).

Conditions:
Mucopolysaccharidosis, MPS-II (MPS2). Also called: Hunter Syndrome; IDURONATE 2-SULFATASE DEFICIENCY; Mucopolysaccharidosis Type II; Mucopolysaccharidosis type 2; Attenuated MPS (subtype; formerly known as mild MPS II); Severe MPS II. Identifiers: Orphanet 580, Orphanet 79388, MedGen C0026705, MONDO:0010674, OMIM 309900.

Submission:

Laboratory of Diagnosis and Therapy of Lysosomal Disorders, University of Padova
Classification: Pathogenic for Mucopolysaccharidosis, MPS-II. Last evaluated: 2024-06-07. Review status: criteria provided, single submitter. Criteria: ACMG Guidelines, 2015. Collection method: literature only. Allele origin: germline. Affected: yes. Observed: 1 variant allele.
Comment: Null variant (PVS1_VeryStrong), Absent from controls (or at low frequency) in gnomAD database (PM2_Moderate), Patient’s phenotype or family history highly specific for the disease (PP4_Strong)

Classification method: ACMG Guidelines [PMID:25741868] with modifications

Literature cited by the submitters: PubMed 8664909.

NM_000202.8(IDS):c.123del (p.Ile42fs)

Gene: IDS (iduronate 2-sulfatase; minus strand). Cytogenetic location: Xq28.
Variant type: Deletion.
Coding change: c.123del on transcript NM_000202.8 (MANE Select); coding-DNA position 123, one base deleted (C; older notation c.123delC).
Protein change: p.Ile42fs; shifts the reading frame from isoleucine 42.
Molecular consequence: frameshift variant. On other transcripts: 5 prime UTR variant (1), non-coding transcript variant (1).
Genome position (GRCh38, 1-based): chrX:149,504,274, G deleted on the plus strand (C on the coding strand, the reverse complement: IDS is on the minus strand). VCF-style (leftmost placement, unchanged base first): chrX-149504273-TG-T. GRCh37 (hg19) VCF-style: chrX-148585803-TG-T.
Other names: c.-104del (NM_001166550.4); c.123del, p.Ile42fs (NM_006123.5); short protein forms I42fs.
Identifiers: ClinVar variation 3255807 (VCV003255807.2).